The following is an entry in ClinVar:

ClinVar aggregate classification (germline): Conflicting classifications of pathogenicity. Review status: criteria provided, conflicting classifications (1 of 4 stars). 3 submissions from 3 submitters: Likely pathogenic (1); Uncertain significance (1). 1 of the submissions does not count toward it. Last evaluated 2025-01-14.

Conditions:
Hypohidrotic X-linked ectodermal dysplasia (XHED). Also called: Christ-Siemans-Touraine syndrome; ECTODERMAL DYSPLASIA, HYPOHIDROTIC, 1; CST SYNDROME; ECTODERMAL DYSPLASIA 1; Ectodermal Dysplasia 1, Anhidrotic; Anhidrotic ectodermal dysplasia X-linked. Identifiers: Orphanet 181, Orphanet 238468, MedGen C0162359, MONDO:0010585, OMIM 305100.
EDA-related disorder. Also called: EDA-related condition; EDA-related disorders.

Submissions (3):

Women's Health and Genetics/Laboratory Corporation of America, LabCorp
Classification: Uncertain significance. Last evaluated: 2025-01-14. Review status: criteria provided, single submitter. Criteria: LabCorp Variant Classification Summary - May 2015. Collection method: clinical testing. Allele origin: germline.
Comment: Variant summary: EDA c.1152G>C (p.Arg384Ser) results in a non-conservative amino acid change located in the TNF family profile domain (IPR006052) of the encoded protein sequence. Five of five in-silico tools predict a damaging effect of the variant on protein function. The frequency data for this variant in gnomAD is considered unreliable, as metrics indicate poor data quality at this position. c.1152G>C has been reported in the literature in individuals affected with Hypohidrotic Ectodermal Dysplasia (examples: Dietz_2013, Goodwin_2014). These data indicate that the variant may be associated with disease. To our knowledge, no experimental evidence demonstrating an impact on protein function has been reported. The following publications have been ascertained in the context of this evaluation (PMID: 23553579, 25333067). No submitters have cited clinical-significance assessments for this variant to ClinVar. Based on the evidence outlined above, the variant was classified as VUS-possibly pathogenic.

Blueprint Genetics
Classification: Likely pathogenic for EDA-related disorders. Last evaluated: 2020-10-19. Review status: criteria provided, single submitter. Criteria: ACMG Guidelines, 2015. Collection method: clinical testing. Allele origin: germline. Affected: yes. Observed: 2 variant alleles.

Department of Pediatric and Adolescent Medicine, University of Erlangen
Classification: Pathogenic for Hypohidrotic X-linked ectodermal dysplasia. Last evaluated: 2025-01-07. Review status: no assertion criteria provided. Collection method: clinical testing. Allele origin: germline. Affected: yes. Not counted in ClinVar's aggregate classification.

Literature cited by the submitters: PubMed 23553579 (cited by Women's Health and Genetics/Laboratory Corporation of America, LabCorp); PubMed 25333067 (cited by Women's Health and Genetics/Laboratory Corporation of America, LabCorp).

NM_001399.5(EDA):c.1152G>C (p.Arg384Ser)

Gene: EDA (ectodysplasin A; plus strand). Cytogenetic location: Xq13.1.
Variant type: single nucleotide variant.
Coding change: c.1152G>C on transcript NM_001399.5 (MANE Select); coding-DNA position 1152, G replaced by C.
Protein change: p.Arg384Ser; replaces arginine 384 with serine.
Molecular consequence: missense variant.
Genome position (GRCh38, 1-based): chrX:70,035,585, G>C. VCF-style: chrX-70035585-G-C. GRCh37 (hg19) VCF-style: chrX-69255435-G-C.
Other names: c.1146G>C, p.Arg382Ser (NM_001005609.2); c.1137G>C, p.Arg379Ser (NM_001005612.3); short protein forms R379S, R382S, R384S.
Identifiers: ClinVar variation 3769125 (VCV003769125.4).